The following is an entry in ClinVar:

ClinVar aggregate classification (germline): Uncertain significance (1 of 4 stars; one submission).

Conditions:
Peroxisome biogenesis disorder 2B (PBD2B). Identifiers: Orphanet 44, MedGen C3550234, MONDO:0008736, OMIM 202370.

Allele frequency attached by ClinVar (database versions not stated): gnomAD exomes below 0.00001; TOPMed below 0.00001.
gnomAD v4.1: 1 of 1,614,180 alleles (0.000062%); highest among the groups gnomAD compares: Admixed American, 0.0017%; no homozygotes.

Submission:

Labcorp Genetics (formerly Invitae), Labcorp
Classification: Uncertain significance for Peroxisome biogenesis disorder 2B. Last evaluated: 2022-07-24. Review status: criteria provided, single submitter. Criteria: Invitae Variant Classification Sherloc (09022015). Collection method: clinical testing. Allele origin: germline.
Comment: This sequence change replaces glycine, which is neutral and non-polar, with serine, which is neutral and polar, at codon 554 of the PEX5 protein (p.Gly554Ser). This variant is present in population databases (no rsID available, gnomAD no frequency). This variant has not been reported in the literature in individuals affected with PEX5-related conditions. Algorithms developed to predict the effect of missense changes on protein structure and function are either unavailable or do not agree on the potential impact of this missense change (SIFT: "Tolerated"; PolyPhen-2: "Probably Damaging"; Align-GVGD: "Class C0"). In summary, the available evidence is currently insufficient to determine the role of this variant in disease. Therefore, it has been classified as a Variant of Uncertain Significance.

NM_001351132.2(PEX5):c.1660G>A (p.Gly554Ser)

Gene: PEX5 (peroxisomal biogenesis factor 5; plus strand). Cytogenetic location: 12p13.31.
Variant type: single nucleotide variant.
Coding change: c.1660G>A on transcript NM_001351132.2 (MANE Select); coding-DNA position 1660, G replaced by A.
Protein change: p.Gly554Ser; replaces glycine 554 with serine.
Molecular consequence: missense variant.
Genome position (GRCh38, 1-based): chr12:7,209,782, G>A. VCF-style: chr12-7209782-G-A. GRCh37 (hg19) VCF-style: chr12-7362378-G-A.
Other names: c.1636G>A, p.Gly546Ser (NM_000319.5); c.1705G>A, p.Gly569Ser (NM_001131023.2); c.1549G>A, p.Gly517Ser (NM_001131024.2, NM_001351124.3, NM_001351126.2 and 7 more transcripts); c.1660G>A, p.Gly554Ser (NM_001131025.2, NM_001131026.2, NM_001300789.3 and 4 more transcripts); c.1594G>A, p.Gly532Ser (NM_001351135.3, NM_001351138.2); c.1651G>A, p.Gly551Ser (NM_001351136.2); c.1525G>A, p.Gly509Ser (NM_001351139.2, NM_001351140.2, NM_001374649.2); short protein forms G509S, G546S, G554S, G517S, G551S, G569S, G532S.
Identifiers: ClinVar variation 2180696 (VCV002180696.1), dbSNP rs1328575148, ClinGen allele CA383738352.
Genomic context (GRCh38, chr12:7,209,782, plus strand): 5'-AATGGAAACCAGAGTGAAGAAGCAGTAGCTGCGTACCGCCGGGCCCTCGAGCTCCAGCCT[G>A]GCTATATCCGGTCCCGCTATAACCTGGGCATCAGCTGCATCAACCTCGGGGCTCACCGGT-3'
Protein context (NP_001338061.1, residues 544-564): AYRRALELQP[Gly554Ser]YIRSRYNLGI